The following is an entry in ClinVar:

ClinVar aggregate classification (germline): Likely benign. Review status: criteria provided, multiple submitters, no conflicts (2 of 4 stars). 2 submissions from 2 submitters: Likely benign (2). Last evaluated 2026-06-01.

Conditions:
Tay-Sachs disease, variant AB. Also called: GM2 Activator Deficiency; Gm2-gangliosidosis, ab variant. Identifiers: Orphanet 309246, MedGen C0268275, MONDO:0010099, OMIM 272750.

Allele frequency attached by ClinVar (database versions not stated): gnomAD 0.00001; gnomAD exomes 0.00001 and 0.00003; TOPMed 0.00001; ExAC 0.00002.
gnomAD v4.1: 15 of 1,614,048 alleles (0.00093%); highest among the groups gnomAD compares: Admixed American, 0.012%; no homozygotes.

Submissions (2):

CeGaT Center for Human Genetics Tuebingen
Classification: Likely benign. Last evaluated: 2026-06-01. Review status: criteria provided, single submitter. Criteria: CeGaT Center For Human Genetics Tuebingen Variant Classification Criteria Version 2. Collection method: clinical testing. Allele origin: germline. Affected: yes. Observed: 1 variant allele.
Comment: GM2A: BP4, BP7

Labcorp Genetics (formerly Invitae), Labcorp
Classification: Likely benign for Tay-Sachs disease, variant AB. Last evaluated: 2026-01-17. Review status: criteria provided, single submitter. Criteria: Invitae Variant Classification Sherloc (09022015). Collection method: clinical testing. Allele origin: germline.

NM_000405.5(GM2A):c.522G>C (p.Leu174=)

Gene: GM2A (ganglioside GM2 activator; plus strand). Cytogenetic location: 5q33.1.
Variant type: single nucleotide variant.
Coding change: c.522G>C on transcript NM_000405.5 (MANE Select); coding-DNA position 522, G replaced by C.
Protein change: p.Leu174=; no amino-acid change (leucine 174 retained).
Molecular consequence: synonymous variant. On other transcripts: intron variant (1).
Genome position (GRCh38, 1-based): chr5:151,267,391, G>C. VCF-style: chr5-151267391-G-C. GRCh37 (hg19) VCF-style: chr5-150646952-G-C.
Other names: c.413-101G>C (NM_001167607.3).
Identifiers: ClinVar variation 750575 (VCV000750575.10), dbSNP rs778176491, ClinGen allele CA3517994.